The following is an entry in ClinVar:

NM_000492.4(CFTR):c.3963+5G>C

Gene: CFTR (CF transmembrane conductance regulator; plus strand). Cytogenetic location: 7q31.2.
Variant type: single nucleotide variant.
Coding change: c.3963+5G>C on transcript NM_000492.4 (MANE Select); 5 bases into the intron after coding-DNA position 3963, G replaced by C.
Molecular consequence: intron variant.
Genome position (GRCh38, 1-based): chr7:117,652,936, G>C. VCF-style: chr7-117652936-G-C. GRCh37 (hg19) VCF-style: chr7-117292990-G-C.
Identifiers: ClinVar variation 1736534 (VCV001736534.6), dbSNP rs1267260655, ClinGen allele CA577225202.

ClinVar aggregate classification (germline): Uncertain significance. Review status: criteria provided, multiple submitters, no conflicts (2 of 4 stars). 4 submissions from 4 submitters: Uncertain significance (4). Last evaluated 2025-08-14.

Conditions:
Cystic fibrosis (CF). Also called: MUCOVISCIDOSIS. Identifiers: Orphanet 586, MedGen C0010674, MONDO:0009061, OMIM 219700. Disease mechanism: loss of function.

Allele frequency attached by ClinVar (database versions not stated): gnomAD exomes below 0.00001; TOPMed 0.00001; gnomAD 0.00001.
gnomAD v4.1: 4 of 1,563,902 alleles (0.00026%); highest among the groups gnomAD compares: Admixed American, 0.0033%; no homozygotes.

Submissions (4):

Mayo Clinic Laboratories, Mayo Clinic
Classification: Uncertain significance. Last evaluated: 2025-08-14. Review status: criteria provided, single submitter. Criteria: ACMG Guidelines, 2015. Collection method: clinical testing. Allele origin: germline. Observed: 1 variant allele.
Comment: PM2_supporting

Women's Health and Genetics/Laboratory Corporation of America, LabCorp
Classification: Uncertain significance. Last evaluated: 2024-03-09. Review status: criteria provided, single submitter. Criteria: LabCorp Variant Classification Summary - May 2015. Collection method: clinical testing. Allele origin: germline.

Ambry Genetics
Classification: Uncertain significance for Cystic fibrosis. Last evaluated: 2022-04-19. Review status: criteria provided, single submitter. Criteria: Ambry Variant Classification Scheme 2023. Collection method: clinical testing. Allele origin: germline.
Comment: The c.3963+5G>C intronic variant results from a G to C substitution 5 nucleotides after coding exon 24 in the CFTR gene. This nucleotide position is well conserved in available vertebrate species. In silico splice site analysis for this alteration is inconclusive. Since supporting evidence is limited at this time, the clinical significance of this alteration remains unclear.

Labcorp Genetics (formerly Invitae), Labcorp
Classification: Uncertain significance for Cystic fibrosis. Last evaluated: 2021-11-13. Review status: criteria provided, single submitter. Criteria: Invitae Variant Classification Sherloc (09022015). Collection method: clinical testing. Allele origin: germline.
Comment: This sequence change falls in intron 24 of the CFTR gene. It does not directly change the encoded amino acid sequence of the CFTR protein. It affects a nucleotide within the consensus splice site. This variant is present in population databases (no rsID available, gnomAD 0.003%). This variant has not been reported in the literature in individuals affected with CFTR-related conditions. Variants that disrupt the consensus splice site are a relatively common cause of aberrant splicing (PMID: 17576681, 9536098). Algorithms developed to predict the effect of sequence changes on RNA splicing suggest that this variant is not likely to affect RNA splicing. In summary, the available evidence is currently insufficient to determine the role of this variant in disease. Therefore, it has been classified as a Variant of Uncertain Significance.

Literature cited by the submitters: PubMed 17576681 (cited by Labcorp Genetics (formerly Invitae), Labcorp); PubMed 9536098 (cited by Labcorp Genetics (formerly Invitae), Labcorp).